The following is an entry in ClinVar:

ClinVar aggregate classification (germline): Uncertain significance (1 of 4 stars; one submission).

Submission:

Women's Health and Genetics/Laboratory Corporation of America, LabCorp
Classification: Uncertain significance. Last evaluated: 2016-08-09. Review status: criteria provided, single submitter. Criteria: LabCorp Variant Classification Summary - May 2015. Collection method: clinical testing. Allele origin: germline.
Comment: Variant summary: The GLB1 c.1732A>C (p.Lys578Gln) variant involves the alteration of a conserved nucleotide. 3/4 in silico tools predict a damaging outcome for this variant (SNPs&GO not captured due to low reliability index). This variant is absent in 120706 control chromosomes. The variant of interest has not, to our knowledge, been reported in affected individuals via publications and/or reputable databases/clinical diagnostic laboratories; nor evaluated for functional impact by in vivo/vitro studies. Because of the absence of clinical information and the lack of functional studies, the variant is classified as a variant of uncertain significance (VUS) until additional information becomes available.

NM_000404.4(GLB1):c.1732A>C (p.Lys578Gln)

Gene: GLB1 (galactosidase beta 1; minus strand). Cytogenetic location: 3p22.3.
Variant type: single nucleotide variant.
Coding change: c.1732A>C on transcript NM_000404.4 (MANE Select); coding-DNA position 1732, A replaced by C.
Protein change: p.Lys578Gln; replaces lysine 578 with glutamine.
Molecular consequence: missense variant.
Genome position (GRCh38, 1-based): chr3:33,014,058, T>G on the plus strand (A>C on the coding strand, the complement: GLB1 is on the minus strand). VCF-style: chr3-33014058-T-G. GRCh37 (hg19) VCF-style: chr3-33055550-T-G.
Other names: c.1642A>C, p.Lys548Gln (NM_001079811.3); c.1339A>C, p.Lys447Gln (NM_001135602.3); c.1876A>C, p.Lys626Gln (NM_001317040.2); c.1732A>C, p.Lys578Gln (NM_001393580.1); short protein forms K578Q, K447Q, K548Q, K626Q.
Identifiers: ClinVar variation 495864 (VCV000495864.1), dbSNP rs758921331, ClinGen allele CA351983537.